The following is an entry in ClinVar:

ClinVar aggregate classification (germline): Uncertain significance (1 of 4 stars; one submission).

Conditions:
Inborn genetic diseases. Identifiers: MedGen C0950123, MeSH D030342.

Submission:

Ambry Genetics
Classification: Uncertain significance for Inborn genetic diseases. Last evaluated: 2025-05-31. Review status: criteria provided, single submitter. Criteria: Ambry Variant Classification Scheme 2023. Collection method: clinical testing. Allele origin: germline.
Comment: The p.K1072R variant (also known as c.3215A>G), located in coding exon 24 of the ANKRD26 gene, results from an A to G substitution at nucleotide position 3215. The lysine at codon 1072 is replaced by arginine, an amino acid with highly similar properties. This amino acid position is conserved. In addition, this alteration is predicted to be tolerated by in silico analysis. Based on the available evidence, the clinical significance of this variant remains unclear.

NM_014915.3(ANKRD26):c.3215A>G (p.Lys1072Arg)

Gene: ANKRD26 (ankyrin repeat domain containing 26; minus strand). Cytogenetic location: 10p12.1.
Variant type: single nucleotide variant.
Coding change: c.3215A>G on transcript NM_014915.3 (MANE Select); coding-DNA position 3215, A replaced by G.
Protein change: p.Lys1072Arg; replaces lysine 1072 with arginine.
Molecular consequence: missense variant.
Genome position (GRCh38, 1-based): chr10:27,035,235, T>C on the plus strand (A>G on the coding strand, the complement: ANKRD26 is on the minus strand). VCF-style: chr10-27035235-T-C. GRCh37 (hg19) VCF-style: chr10-27324164-T-C.
Other names: c.3212A>G, p.Lys1071Arg (NM_001256053.2); short protein forms K1071R, K1072R.
Identifiers: ClinVar variation 3914930 (VCV003914930.1).